The following is an entry in ClinVar:

ClinVar aggregate classification (germline): Pathogenic/Likely pathogenic. Review status: criteria provided, multiple submitters, no conflicts (2 of 4 stars). 2 submissions from 2 submitters: Pathogenic (1); Likely pathogenic (1). Last evaluated 2023-08-30.

Conditions:
Familial adenomatous polyposis 4 (FAP4). Also called: MSH3-related attenuated familial adenomatous polyposis. Identifiers: Orphanet 480536, MedGen C4310719, MONDO:0044300, OMIM 617100.

Allele frequency attached by ClinVar (database versions not stated): TOPMed below 0.00001.

Submissions (2):

Myriad Genetics, Inc.
Classification: Likely pathogenic for Familial adenomatous polyposis 4. Last evaluated: 2023-08-30. Review status: criteria provided, single submitter. Criteria: Myriad Autosomal Dominant, Autosomal Recessive and X-Linked Classification Criteria (2023). Collection method: clinical testing. Allele origin: unknown.
Comment: This variant is considered likely pathogenic. This variant occurs within a consensus splice junction and is predicted to result in abnormal mRNA splicing of either an out-of-frame exon or an in-frame exon necessary for protein stability and/or normal function.

Labcorp Genetics (formerly Invitae), Labcorp
Classification: Pathogenic. Last evaluated: 2021-12-03. Review status: criteria provided, single submitter. Criteria: Invitae Variant Classification Sherloc (09022015). Collection method: clinical testing. Allele origin: germline.
Comment: For these reasons, this variant has been classified as Pathogenic. Algorithms developed to predict the effect of sequence changes on RNA splicing suggest that this variant may disrupt the consensus splice site. Disruption of this splice site has been observed in individuals with MSH3-associated polyposis (PMID: 27476653; Invitae). This variant is not present in population databases (gnomAD no frequency). This sequence change affects an acceptor splice site in intron 16 of the MSH3 gene. It is expected to disrupt RNA splicing. Variants that disrupt the donor or acceptor splice site typically lead to a loss of protein function (PMID: 16199547), and loss-of-function variants in MSH3 are known to be pathogenic (PMID: 27476653).

Literature cited by the submitters: PubMed 27476653 (cited by Labcorp Genetics (formerly Invitae), Labcorp); PubMed 16199547 (cited by Labcorp Genetics (formerly Invitae), Labcorp).

NM_002439.5(MSH3):c.2319-1G>C

Gene: MSH3 (mutS homolog 3; plus strand). Cytogenetic location: 5q14.1.
Variant type: single nucleotide variant.
Coding change: c.2319-1G>C on transcript NM_002439.5 (MANE Select); the canonical splice acceptor site of the intron before coding-DNA position 2319, G replaced by C.
Molecular consequence: splice acceptor variant.
Genome position (GRCh38, 1-based): chr5:80,778,719, G>C. VCF-style: chr5-80778719-G-C. GRCh37 (hg19) VCF-style: chr5-80074538-G-C.
Identifiers: ClinVar variation 1459617 (VCV001459617.7), dbSNP rs866260675, ClinGen allele CA360281696.